The following is an entry in ClinVar:

ClinVar aggregate classification (germline): Uncertain significance (1 of 4 stars; one submission).

Allele frequency attached by ClinVar (database versions not stated): gnomAD 0.00001; TOPMed 0.00001.
gnomAD v4.1: 1 of 1,613,870 alleles (0.000062%); highest among the groups gnomAD compares: African/African-American, 0.0013%; no homozygotes.

Submission:

Labcorp Genetics (formerly Invitae), Labcorp
Classification: Uncertain significance. Last evaluated: 2025-01-27. Review status: criteria provided, single submitter. Criteria: Invitae Variant Classification Sherloc (09022015). Collection method: clinical testing. Allele origin: germline.
Comment: This sequence change replaces proline, which is neutral and non-polar, with serine, which is neutral and polar, at codon 346 of the SLC25A12 protein (p.Pro346Ser). This variant is present in population databases (no rsID available, gnomAD 0.01%). This variant has not been reported in the literature in individuals affected with SLC25A12-related conditions. ClinVar contains an entry for this variant (Variation ID: 844521). Invitae Evidence Modeling of protein sequence and biophysical properties (such as structural, functional, and spatial information, amino acid conservation, physicochemical variation, residue mobility, and thermodynamic stability) indicates that this missense variant is expected to disrupt SLC25A12 protein function with a positive predictive value of 80%. In summary, the available evidence is currently insufficient to determine the role of this variant in disease. Therefore, it has been classified as a Variant of Uncertain Significance.

NM_003705.5(SLC25A12):c.1036C>T (p.Pro346Ser)

Gene: SLC25A12 (solute carrier family 25 member 12; minus strand). Cytogenetic location: 2q31.1.
Variant type: single nucleotide variant.
Coding change: c.1036C>T on transcript NM_003705.5 (MANE Select); coding-DNA position 1036, C replaced by T.
Protein change: p.Pro346Ser; replaces proline 346 with serine.
Molecular consequence: missense variant. On other transcripts: non-coding transcript variant (1).
Genome position (GRCh38, 1-based): chr2:171,813,474, G>A on the plus strand (C>T on the coding strand, the complement: SLC25A12 is on the minus strand). VCF-style: chr2-171813474-G-A. GRCh37 (hg19) VCF-style: chr2-172669984-G-A.
Other names: short protein forms P346S.
Identifiers: ClinVar variation 844521 (VCV000844521.8), dbSNP rs1298530698, ClinGen allele CA349290360.